The following is an entry in ClinVar:

ClinVar aggregate classification (germline): Uncertain significance (1 of 4 stars; one submission).

Conditions:
Familial thoracic aortic aneurysm and aortic dissection (TAAD). Also called: Thoracic aortic aneurysms and dissections. Identifiers: Orphanet 91387, MedGen C4707243, MONDO:0019625.

Submission:

Ambry Genetics
Classification: Uncertain significance for Familial thoracic aortic aneurysm and aortic dissection. Last evaluated: 2025-12-03. Review status: criteria provided, single submitter. Criteria: Ambry Variant Classification Scheme 2023. Collection method: clinical testing. Allele origin: germline.
Comment: The c.736G>C (p.E246Q) alteration is located in exon 6 (coding exon 6) of the SMAD3 gene. This alteration results from a G to C substitution at nucleotide position 736, causing the glutamic acid (E) at amino acid position 246 to be replaced by a glutamine (Q). This variant was not reported in population-based cohorts in the Genome Aggregation Database (gnomAD). This amino acid position is highly conserved in available vertebrate species. This missense alteration is located in a region that has a low rate of benign missense variation (Lek, 2016; Firth, 2009). This alteration is predicted to be deleterious by in silico analysis. Based on insufficient or conflicting evidence, the clinical significance of this alteration remains unclear.

NM_005902.4(SMAD3):c.736G>C (p.Glu246Gln)

Gene: SMAD3 (SMAD family member 3; plus strand). Cytogenetic location: 15q22.33.
Variant type: single nucleotide variant.
Coding change: c.736G>C on transcript NM_005902.4 (MANE Select); coding-DNA position 736, G replaced by C.
Protein change: p.Glu246Gln; replaces glutamic acid 246 with glutamine.
Molecular consequence: missense variant.
Genome position (GRCh38, 1-based): chr15:67,181,318, G>C. VCF-style: chr15-67181318-G-C. GRCh37 (hg19) VCF-style: chr15-67473656-G-C.
Other names: c.421G>C, p.Glu141Gln (NM_001145102.2, NM_001407016.1); c.604G>C, p.Glu202Gln (NM_001145103.2, NM_001407012.1); c.151G>C, p.Glu51Gln (NM_001145104.2, NM_001407017.1); c.736G>C, p.Glu246Gln (NM_001407011.1, NM_001407013.1); c.589G>C, p.Glu197Gln (NM_001407014.1); c.289G>C, p.Glu97Gln (NM_001407015.1); short protein forms E141Q, E97Q, E197Q, E246Q, E51Q, E202Q.
Identifiers: ClinVar variation 4635571 (VCV004635571.1).